The following is an entry in ClinVar:

NM_000465.4(BARD1):c.533A>G (p.Asp178Gly)

Gene: BARD1 (BRCA1 associated RING domain 1; minus strand). Cytogenetic location: 2q35.
Variant type: single nucleotide variant.
Coding change: c.533A>G on transcript NM_000465.4 (MANE Select); coding-DNA position 533, A replaced by G.
Protein change: p.Asp178Gly; replaces aspartic acid 178 with glycine.
Molecular consequence: missense variant. On other transcripts: non-coding transcript variant (2), intron variant (3).
Genome position (GRCh38, 1-based): chr2:214,781,341, T>C on the plus strand (A>G on the coding strand, the complement: BARD1 is on the minus strand). VCF-style: chr2-214781341-T-C. GRCh37 (hg19) VCF-style: chr2-215646065-T-C.
Other names: c.476A>G, p.Asp159Gly (NM_001282543.2); c.158+28071A>G (NM_001282548.2); c.215+15720A>G (NM_001282545.2); c.364+10956A>G (NM_001282549.2); short protein forms D159G, D178G.
Identifiers: ClinVar variation 2822234 (VCV002822234.3), dbSNP rs2469512193, ClinGen allele CA350457443.

ClinVar aggregate classification (germline): Uncertain significance (1 of 4 stars; one submission).

Conditions:
Familial cancer of breast. Also called: Hereditary breast cancer; BREAST CANCER, FAMILIAL; hereditary breast carcinoma. Identifiers: Orphanet 227535, MedGen C0346153, MONDO:0016419, OMIM 114480. Disease mechanism: loss of function.

gnomAD v4.1: 1 of 1,613,666 alleles (0.000062%); highest among the groups gnomAD compares: Non-Finnish European, 0.000085%; no homozygotes.

Submission:

Labcorp Genetics (formerly Invitae), Labcorp
Classification: Uncertain significance for Familial cancer of breast. Last evaluated: 2022-12-19. Review status: criteria provided, single submitter. Criteria: Invitae Variant Classification Sherloc (09022015). Collection method: clinical testing. Allele origin: germline.
Comment: This sequence change replaces aspartic acid, which is acidic and polar, with glycine, which is neutral and non-polar, at codon 178 of the BARD1 protein (p.Asp178Gly). This variant is not present in population databases (gnomAD no frequency). This variant has not been reported in the literature in individuals affected with BARD1-related conditions. Algorithms developed to predict the effect of missense changes on protein structure and function (SIFT, PolyPhen-2, Align-GVGD) all suggest that this variant is likely to be tolerated. In summary, the available evidence is currently insufficient to determine the role of this variant in disease. Therefore, it has been classified as a Variant of Uncertain Significance.